The following is an entry in ClinVar:

NM_004787.4(SLIT2):c.4544A>T (p.Glu1515Val)

Gene: SLIT2 (slit guidance ligand 2; plus strand). Cytogenetic location: 4p15.31.
Variant type: single nucleotide variant.
Coding change: c.4544A>T on transcript NM_004787.4 (MANE Select); coding-DNA position 4544, A replaced by T.
Protein change: p.Glu1515Val; replaces glutamic acid 1515 with valine.
Molecular consequence: missense variant.
Genome position (GRCh38, 1-based): chr4:20,618,963, A>T. VCF-style: chr4-20618963-A-T. GRCh37 (hg19) VCF-style: chr4-20620586-A-T.
Other names: c.4532A>T, p.Glu1511Val (NM_001289135.3); c.4520A>T, p.Glu1507Val (NM_001289136.3); short protein forms E1515V, E1507V, E1511V.
Identifiers: ClinVar variation 1968362 (VCV001968362.5), dbSNP rs774001020, ClinGen allele CA2872481.

ClinVar aggregate classification (germline): Uncertain significance (1 of 4 stars; one submission).

Allele frequency attached by ClinVar (database versions not stated): gnomAD exomes below 0.00001; ExAC 0.00001.
gnomAD v4.1: 5 of 1,614,088 alleles (0.00031%); highest among the groups gnomAD compares: East Asian, 0.0089%; no homozygotes.

Submission:

Labcorp Genetics (formerly Invitae), Labcorp
Classification: Uncertain significance. Last evaluated: 2024-06-03. Review status: criteria provided, single submitter. Criteria: Invitae Variant Classification Sherloc (09022015). Collection method: clinical testing. Allele origin: germline.
Comment: This sequence change replaces glutamic acid, which is acidic and polar, with valine, which is neutral and non-polar, at codon 1515 of the SLIT2 protein (p.Glu1515Val). This variant is present in population databases (rs774001020, gnomAD 0.02%). This variant has not been reported in the literature in individuals affected with SLIT2-related conditions. ClinVar contains an entry for this variant (Variation ID: 1968362). An algorithm developed to predict the effect of missense changes on protein structure and function (PolyPhen-2) suggests that this variant is likely to be disruptive. In summary, the available evidence is currently insufficient to determine the role of this variant in disease. Therefore, it has been classified as a Variant of Uncertain Significance.